The following is an entry in ClinVar:

ClinVar aggregate classification (germline): Benign. Review status: criteria provided, multiple submitters, no conflicts (2 of 4 stars). 12 submissions from 9 submitters: Benign (10). 2 of the submissions do not count toward it. Last evaluated 2026-02-04.

Conditions:
Dilated cardiomyopathy 1G (CMD1G). Identifiers: Orphanet 154, MedGen C1858763, MONDO:0011400, OMIM 604145.
Autosomal recessive limb-girdle muscular dystrophy type 2J (LGMDR10). Also called: Limb-girdle muscular dystrophy, type 2J; MUSCULAR DYSTROPHY, LIMB-GIRDLE, AUTOSOMAL RECESSIVE 10. Identifiers: Orphanet 140922, MedGen C1837342, MONDO:0012127, OMIM 608807.
Tibial muscular dystrophy (TMD). Also called: UDD MYOPATHY; Tibial muscular dystrophy, tardive; Udd Distal Myopathy – Tibial Muscular Dystrophy. Identifiers: Orphanet 609, MedGen C1838244, MONDO:0010870, OMIM 600334.
Early-onset myopathy with fatal cardiomyopathy (CMYO5). Also called: Salih Myopathy; CONGENITAL MYOPATHY 5 WITH CARDIOMYOPATHY. Identifiers: Orphanet 289377, MedGen C2673677, MONDO:0012714, OMIM 611705. Disease mechanism: loss of function.
Myopathy, myofibrillar, 9, with early respiratory failure (MFM9). Also called: Hereditary myopathy with early respiratory failure; MYOPATHY, PROXIMAL, WITH EARLY RESPIRATORY MUSCLE INVOLVEMENT; Myopathy, distal, with early respiratory failure, autosomal dominant; EDSTROM MYOPATHY. Identifiers: Orphanet 178464, Orphanet 34521, MedGen C1863599, MONDO:0011362, OMIM 603689.

Allele frequency attached by ClinVar (database versions not stated): ESP Exome Variant Server 0.20048; gnomAD 0.23005 and 0.22460; TOPMed 0.25123; ExAC 0.25677; 1000 Genomes Project 30x 0.34666; gnomAD exomes 0.24878; 1000 Genomes Project 0.34804.
gnomAD v4.1: 316,440 of 1,555,784 alleles (20%); highest among the groups gnomAD compares: East Asian, 66%; 38,471 homozygotes.

Submissions (12):

Labcorp Genetics (formerly Invitae), Labcorp
Classification: Benign for Dilated cardiomyopathy 1G; Autosomal recessive limb-girdle muscular dystrophy type 2J. Last evaluated: 2026-02-04. Review status: criteria provided, single submitter. Criteria: Invitae Variant Classification Sherloc (09022015). Collection method: clinical testing. Allele origin: germline.

Genome-Nilou Lab
Classification: Benign for Autosomal recessive limb-girdle muscular dystrophy type 2J. Last evaluated: 2021-09-10. Review status: criteria provided, single submitter. Criteria: ACMG Guidelines, 2015. Collection method: clinical testing. Allele origin: germline. Affected: no.

Genome-Nilou Lab
Classification: Benign for Myopathy, myofibrillar, 9, with early respiratory failure. Last evaluated: 2021-09-10. Review status: criteria provided, single submitter. Criteria: ACMG Guidelines, 2015. Collection method: clinical testing. Allele origin: germline. Affected: no.

Genome-Nilou Lab
Classification: Benign for Early-onset myopathy with fatal cardiomyopathy. Last evaluated: 2021-09-10. Review status: criteria provided, single submitter. Criteria: ACMG Guidelines, 2015. Collection method: clinical testing. Allele origin: germline. Affected: no.

Genome-Nilou Lab
Classification: Benign for Tibial muscular dystrophy. Last evaluated: 2021-09-10. Review status: criteria provided, single submitter. Criteria: ACMG Guidelines, 2015. Collection method: clinical testing. Allele origin: germline. Affected: no.

Women's Health and Genetics/Laboratory Corporation of America, LabCorp
Classification: Benign. Last evaluated: 2019-08-16. Review status: criteria provided, single submitter. Criteria: LabCorp Variant Classification Summary - May 2015. Collection method: clinical testing. Allele origin: germline.

Mayo Clinic Laboratories, Mayo Clinic
Classification: Benign. Last evaluated: 2014-05-12. Review status: criteria provided, single submitter. Criteria: ACMG Guidelines, 2015. Collection method: clinical testing. Allele origin: germline. Observed: 282 variant alleles.

GeneDx
Classification: Benign. Last evaluated: 2012-10-31. Review status: criteria provided, single submitter. Criteria: GeneDx Variant Classification (06012015). Collection method: clinical testing. Allele origin: germline. Affected: yes.
Comment: This variant is considered likely benign or benign based on one or more of the following criteria: it is a conservative change, it occurs at a poorly conserved position in the protein, it is predicted to be benign by multiple in silico algorithms, and/or has population frequency not consistent with disease.

Breakthrough Genomics
Classification: Benign. Review status: criteria provided, single submitter. Criteria: ACMG Guidelines, 2015. Collection method: not provided. Allele origin: germline. Inheritance: Autosomal recessive inheritance. Affected: yes.

PreventionGenetics, part of Exact Sciences
Classification: Benign. Review status: criteria provided, single submitter. Criteria: ACMG Guidelines, 2015. Collection method: clinical testing. Allele origin: germline.

Clinical Genetics DNA and cytogenetics Diagnostics Lab, Erasmus MC, Erasmus Medical Center
Classification: Benign. Review status: no assertion criteria provided. Collection method: clinical testing. Allele origin: germline. Affected: yes. Study: VKGL Data-share Consensus. Not counted in ClinVar's aggregate classification.

Clinical Genetics, Academic Medical Center
Classification: Benign. Review status: no assertion criteria provided. Collection method: clinical testing. Allele origin: germline. Affected: yes. Study: VKGL Data-share Consensus. Not counted in ClinVar's aggregate classification.

NM_001267550.2(TTN):c.18029-19G>C

Gene: TTN (titin; minus strand). Cytogenetic location: 2q31.2.
Variant type: single nucleotide variant.
Coding change: c.18029-19G>C on transcript NM_001267550.2 (MANE Select); 19 bases into the intron before coding-DNA position 18029, G replaced by C.
Molecular consequence: intron variant.
Genome position (GRCh38, 1-based): chr2:178,730,390, C>G on the plus strand (G>C on the coding strand, the complement: TTN is on the minus strand). VCF-style: chr2-178730390-C-G. GRCh37 (hg19) VCF-style: chr2-179595117-C-G.
Other names: c.13282+7692G>C (NM_003319.4); c.13858+7692G>C (NM_133437.4); c.13657+7692G>C (NM_133432.3); c.14297-19G>C (NM_133378.4); c.17078-19G>C (NM_001256850.1).
Identifiers: ClinVar variation 137838 (VCV000137838.18), dbSNP rs17076, ClinGen allele CA291530.